The following is an entry in ClinVar:

NM_001308093.3(GATA4):c.491C>G (p.Ala164Gly)

Gene: GATA4 (GATA binding protein 4). Cytogenetic location: 8p23.1.
Variant type: single nucleotide variant.
Coding change: c.491C>G on transcript NM_001308093.3 (MANE Select); coding-DNA position 491, C replaced by G.
Protein change: p.Ala164Gly; replaces alanine 164 with glycine.
Molecular consequence: missense variant. On other transcripts: intron variant (3).
Genome position (GRCh38, 1-based): chr8:11,708,803, C>G. VCF-style: chr8-11708803-C-G. GRCh37 (hg19) VCF-style: chr8-11566312-C-G.
Other names: c.491C>G, p.Ala164Gly (NM_002052.5); c.-6+8025C>G (NM_001308094.2); c.-3+789C>G (NM_001374274.1); c.-3+4499C>G (NM_001374273.1); short protein forms A164G.
Identifiers: ClinVar variation 4709975 (VCV004709975.1).

ClinVar aggregate classification (germline): Uncertain significance (1 of 4 stars; one submission).

Conditions:
Atrioventricular septal defect 4 (AVSD4). Identifiers: MedGen C3280781, MONDO:0013747, OMIM 614430.

Submission:

Labcorp Genetics (formerly Invitae), Labcorp
Classification: Uncertain significance for Atrioventricular septal defect 4. Last evaluated: 2025-03-09. Review status: criteria provided, single submitter. Criteria: Invitae Variant Classification Sherloc (09022015). Collection method: clinical testing. Allele origin: germline.
Comment: This sequence change replaces alanine, which is neutral and non-polar, with glycine, which is neutral and non-polar, at codon 164 of the GATA4 protein (p.Ala164Gly). This variant is not present in population databases (gnomAD no frequency). This variant has not been reported in the literature in individuals affected with GATA4-related conditions. Invitae Evidence Modeling of protein sequence and biophysical properties (such as structural, functional, and spatial information, amino acid conservation, physicochemical variation, residue mobility, and thermodynamic stability) indicates that this missense variant is not expected to disrupt GATA4 protein function with a negative predictive value of 95%. In summary, the available evidence is currently insufficient to determine the role of this variant in disease. Therefore, it has been classified as a Variant of Uncertain Significance.